The following is an entry in ClinVar:

ClinVar aggregate classification (germline): Likely pathogenic (1 of 4 stars; one submission).

Conditions:
Cohen syndrome (COH1). Also called: PEPPER SYNDROME; Cutis verticis gyrata, retinitis pigmentosa, and sensorineural deafness. Identifiers: Orphanet 193, MedGen C0265223, MONDO:0008999, OMIM 216550.

Submission:

Labcorp Genetics (formerly Invitae), Labcorp
Classification: Likely pathogenic for Cohen syndrome. Last evaluated: 2021-12-23. Review status: criteria provided, single submitter. Criteria: Invitae Variant Classification Sherloc (09022015). Collection method: clinical testing. Allele origin: germline.
Comment: This sequence change affects a donor splice site in intron 50 of the VPS13B gene. It is expected to disrupt RNA splicing. Variants that disrupt the donor or acceptor splice site typically lead to a loss of protein function (PMID: 16199547), and loss-of-function variants in VPS13B are known to be pathogenic (PMID: 15141358, 16648375, 20461111). This variant is not present in population databases (gnomAD no frequency). This variant has not been reported in the literature in individuals affected with VPS13B-related conditions. Algorithms developed to predict the effect of sequence changes on RNA splicing suggest that this variant may disrupt the consensus splice site. In summary, the currently available evidence indicates that the variant is pathogenic, but additional data are needed to prove that conclusively. Therefore, this variant has been classified as Likely Pathogenic.

Literature cited by the submitters: PubMed 16199547; PubMed 15141358; PubMed 16648375; PubMed 20461111.

NM_152564.5(VPS13B):c.9183+2T>G

Gene: VPS13B (vacuolar protein sorting 13 homolog B; plus strand). Cytogenetic location: 8q22.2.
Variant type: single nucleotide variant.
Coding change: c.9183+2T>G on transcript NM_152564.5 (MANE Select); the canonical splice donor site of the intron after coding-DNA position 9183, T replaced by G.
Molecular consequence: splice donor variant.
Genome position (GRCh38, 1-based): chr8:99,821,484, T>G. VCF-style: chr8-99821484-T-G. GRCh37 (hg19) VCF-style: chr8-100833712-T-G.
Other names: c.9258+2T>G (NM_017890.5).
Identifiers: ClinVar variation 2056256 (VCV002056256.4), dbSNP rs2492020910, ClinGen allele CA371779456.